The following is an entry in ClinVar:

NM_032638.5(GATA2):c.168C>T (p.Gly56=)

Gene: GATA2 (GATA binding protein 2; minus strand). Cytogenetic location: 3q21.3.
Variant type: single nucleotide variant.
Coding change: c.168C>T on transcript NM_032638.5 (MANE Select); coding-DNA position 168, C replaced by T.
Protein change: p.Gly56=; no amino-acid change (glycine 56 retained).
Molecular consequence: synonymous variant.
Genome position (GRCh38, 1-based): chr3:128,486,864, G>A on the plus strand (C>T on the coding strand, the complement: GATA2 is on the minus strand). VCF-style: chr3-128486864-G-A. GRCh37 (hg19) VCF-style: chr3-128205707-G-A.
Other names: c.168C>T, p.Gly56= (NM_001145661.2, NM_001145662.1).
Identifiers: ClinVar variation 1350233 (VCV001350233.8), dbSNP rs1187891127, ClinGen allele CA435764362.

ClinVar aggregate classification (germline): Uncertain significance (1 of 4 stars; one submission).

Conditions:
Deafness-lymphedema-leukemia syndrome. Also called: Lymphedema, primary, with myelodysplasia; Emberger syndrome. Identifiers: Orphanet 3226, MedGen C3279664, MONDO:0013540, OMIM 614038.
Monocytopenia with susceptibility to infections. Also called: IMMUNODEFICIENCY 21; GATA2 DEFICIENCY; MONOCYTOPENIA AND MYCOBACTERIAL INFECTION SYNDROME; MONOCYTOPENIA WITH SUSCEPTIBILITY TO MYCOBACTERIAL, FUNGAL, AND PAPILLOMAVIRUS INFECTIONS AND MYELODYSPLASIA; COMBINED IMMUNODEFICIENCY WITH SUSCEPTIBILITY TO MYCOBACTERIAL, VIRAL, AND FUNGAL INFECTIONS; Dendritic cell, monocyte, B lymphocyte, and natural killer lymphocyte deficiency. Identifiers: Orphanet 228423, MedGen C3280030, MONDO:0013607, OMIM 614172.

Submission:

Labcorp Genetics (formerly Invitae), Labcorp
Classification: Uncertain significance for Monocytopenia with susceptibility to infections; Deafness-lymphedema-leukemia syndrome. Last evaluated: 2021-04-30. Review status: criteria provided, single submitter. Criteria: Invitae Variant Classification Sherloc (09022015). Collection method: clinical testing. Allele origin: germline.
Comment: In summary, the available evidence is currently insufficient to determine the role of this variant in disease. Therefore, it has been classified as a Variant of Uncertain Significance. Algorithms developed to predict the effect of sequence changes on RNA splicing suggest that this variant may create or strengthen a splice site, but this prediction has not been confirmed by published transcriptional studies. This variant has not been reported in the literature in individuals with GATA2-related conditions. This variant is not present in population databases (ExAC no frequency). This sequence change affects codon 56 of the GATA2 mRNA. It is a 'silent' change, meaning that it does not change the encoded amino acid sequence of the GATA2 protein.